The following is an entry in ClinVar:

ClinVar aggregate classification (germline): Uncertain significance. Review status: criteria provided, multiple submitters, no conflicts (2 of 4 stars). 3 submissions from 3 submitters: Uncertain significance (3). Last evaluated 2025-09-22.

Conditions:
Inborn genetic diseases. Identifiers: MedGen C0950123, MeSH D030342.
Kilquist syndrome (KILQS). Also called: SLC12A2-related autosomal recessive neonatal-developmental delay-intellectual disability-feeding difficulty-sensorineural deafness syndrome. Identifiers: Orphanet 633021, MedGen C5436756, MONDO:0033664, OMIM 619080.
Hearing loss, autosomal dominant 78. Also called: DEAFNESS, AUTOSOMAL DOMINANT 78. Identifiers: MedGen C5436768, MONDO:0033665, OMIM 619081.
Delpire-McNeill syndrome. Also called: SLC12A2-related autosomal dominant infantile-developmental delay-intellectual disability-sensorineural deafness syndrome. Identifiers: Orphanet 633024, MedGen C5436771, MONDO:0033667, OMIM 619083.

Allele frequency attached by ClinVar (database versions not stated): gnomAD exomes 0.00003; gnomAD 0.00017 and 0.00015; TOPMed 0.00028.
gnomAD v4.1: 33 of 1,249,244 alleles (0.0026%); highest among the groups gnomAD compares: Admixed American, 0.11%; no homozygotes.

Submissions (3):

Labcorp Genetics (formerly Invitae), Labcorp
Classification: Uncertain significance. Last evaluated: 2025-09-22. Review status: criteria provided, single submitter. Criteria: Invitae Variant Classification Sherloc (09022015). Collection method: clinical testing. Allele origin: germline.
Comment: This sequence change replaces glycine, which is neutral and non-polar, with valine, which is neutral and non-polar, at codon 14 of the SLC12A2 protein (p.Gly14Val). This variant is present in population databases (no rsID available, gnomAD 0.1%). This variant has not been reported in the literature in individuals affected with SLC12A2-related conditions. ClinVar contains an entry for this variant (Variation ID: 1365125). Invitae Evidence Modeling of protein sequence and biophysical properties (such as structural, functional, and spatial information, amino acid conservation, physicochemical variation, residue mobility, and thermodynamic stability) indicates that this missense variant is not expected to disrupt SLC12A2 protein function with a negative predictive value of 95%. In summary, the available evidence is currently insufficient to determine the role of this variant in disease. Therefore, it has been classified as a Variant of Uncertain Significance.

Fulgent Genetics
Classification: Uncertain significance for Kilquist syndrome; Hearing loss, autosomal dominant 78; Delpire-McNeill syndrome. Last evaluated: 2022-05-11. Review status: criteria provided, single submitter. Criteria: ACMG Guidelines, 2015. Collection method: clinical testing. Allele origin: unknown.

Ambry Genetics
Classification: Uncertain significance for Inborn genetic diseases. Last evaluated: 2021-10-06. Review status: criteria provided, single submitter. Criteria: Ambry Variant Classification Scheme 2023. Collection method: clinical testing. Allele origin: germline.

NM_001046.3(SLC12A2):c.41G>T (p.Gly14Val)

Genes: SLC12A2 (solute carrier family 12 member 2; plus strand), LOC129994526 (ATAC-STARR-seq lymphoblastoid silent region 16295; plus strand). Cytogenetic location: 5q23.3.
Variant type: single nucleotide variant.
Coding change: c.41G>T on transcript NM_001046.3 (MANE Select); coding-DNA position 41, G replaced by T.
Protein change: p.Gly14Val; replaces glycine 14 with valine.
Molecular consequence: missense variant. On other transcripts: non-coding transcript variant (1).
Genome position (GRCh38, 1-based): chr5:128,083,995, G>T. VCF-style: chr5-128083995-G-T. GRCh37 (hg19) VCF-style: chr5-127419687-G-T.
Other names: c.41G>T, p.Gly14Val (NM_001256461.2); c.41G>T (NM_001046.2); short protein forms G14V.
Identifiers: ClinVar variation 1365125 (VCV001365125.10), dbSNP rs1014756958, ClinGen allele CA126980063.